The following is an entry in ClinVar:

NM_053025.4(MYLK):c.1928C>T (p.Thr643Ile)

Gene: MYLK (myosin light chain kinase; minus strand). Cytogenetic location: 3q21.1.
Variant type: single nucleotide variant.
Coding change: c.1928C>T on transcript NM_053025.4 (MANE Select); coding-DNA position 1928, C replaced by T.
Protein change: p.Thr643Ile; replaces threonine 643 with isoleucine.
Molecular consequence: missense variant.
Genome position (GRCh38, 1-based): chr3:123,709,770, G>A on the plus strand (C>T on the coding strand, the complement: MYLK is on the minus strand). VCF-style: chr3-123709770-G-A. GRCh37 (hg19) VCF-style: chr3-123428617-G-A.
Other names: c.1400C>T, p.Thr467Ile (NM_001321309.2); c.1721C>T, p.Thr574Ile (NM_053026.4, NM_053028.4); c.1928C>T, p.Thr643Ile (NM_053027.4); c.1928C>T (NM_053025.3); short protein forms T574I, T643I, T467I.
Identifiers: ClinVar variation 4751518 (VCV004751518.2).
Genomic context (GRCh38, chr3:123,709,770, plus strand): 5'-AGACCATTTTCATGTTAATCCCCAAGAGAGAGCTGCAGAGACAGACCTGACACTTGGACA[G>A]TCATAGTGACCTGGCTTCCATCCATGACTTTGAGATCAGAGAGGCCCTGCAGGAAGATGG-3'
Protein context (NP_444253.3, residues 633-653): KVMDGSQVTM[Thr643Ile]VQVSGNPPPE

ClinVar aggregate classification (germline): Uncertain significance. Review status: criteria provided, multiple submitters, no conflicts (2 of 4 stars). 2 submissions from 2 submitters: Uncertain significance (2). Last evaluated 2026-06-15.

Conditions:
Aortic aneurysm, familial thoracic 7 (AAT7). Also called: AORTIC DISSECTION, FAMILIAL, WITH OR WITHOUT AORTIC ANEURYSM. Identifiers: MedGen C3151077, MONDO:0013418, OMIM 613780.
Familial thoracic aortic aneurysm and aortic dissection (TAAD). Also called: Thoracic aortic aneurysms and dissections. Identifiers: Orphanet 91387, MedGen C4707243, MONDO:0019625.

gnomAD v4.1: 4 of 1,613,926 alleles (0.00025%); highest among the groups gnomAD compares: Non-Finnish European, 0.00034%; no homozygotes.

Submissions (2):

Ambry Genetics
Classification: Uncertain significance for Familial thoracic aortic aneurysm and aortic dissection. Last evaluated: 2026-06-15. Review status: criteria provided, single submitter. Criteria: Ambry Variant Classification Scheme 2023. Collection method: clinical testing. Allele origin: germline.
Comment: The p.T643I variant (also known as c.1928C>T), located in coding exon 11 of the MYLK gene, results from a C to T substitution at nucleotide position 1928. The threonine at codon 643 is replaced by isoleucine, an amino acid with similar properties. This amino acid position is conserved. In addition, the in silico prediction for this alteration is inconclusive. Based on the available evidence, the clinical significance of this variant remains unclear.

Labcorp Genetics (formerly Invitae), Labcorp
Classification: Uncertain significance for Aortic aneurysm, familial thoracic 7. Last evaluated: 2025-11-12. Review status: criteria provided, single submitter. Criteria: Invitae Variant Classification Sherloc (09022015). Collection method: clinical testing. Allele origin: germline.
Comment: This sequence change replaces threonine, which is neutral and polar, with isoleucine, which is neutral and non-polar, at codon 643 of the MYLK protein (p.Thr643Ile). This variant is present in population databases (no rsID available, gnomAD 0.007%). This variant has not been reported in the literature in individuals affected with MYLK-related conditions. Invitae Evidence Modeling of protein sequence and biophysical properties (such as structural, functional, and spatial information, amino acid conservation, physicochemical variation, residue mobility, and thermodynamic stability) indicates that this missense variant is not expected to disrupt MYLK protein function with a negative predictive value of 80%. In summary, the available evidence is currently insufficient to determine the role of this variant in disease. Therefore, it has been classified as a Variant of Uncertain Significance.